The following is an entry in ClinVar:

NM_001130823.3(DNMT1):c.3669C>T (p.Arg1223=)

Gene: DNMT1 (DNA methyltransferase 1; minus strand). Cytogenetic location: 19p13.2.
Variant type: single nucleotide variant.
Coding change: c.3669C>T on transcript NM_001130823.3 (MANE Select); coding-DNA position 3669, C replaced by T.
Protein change: p.Arg1223=; no amino-acid change (arginine 1223 retained).
Molecular consequence: synonymous variant.
Genome position (GRCh38, 1-based): chr19:10,140,183, G>A on the plus strand (C>T on the coding strand, the complement: DNMT1 is on the minus strand). VCF-style: chr19-10140183-G-A. GRCh37 (hg19) VCF-style: chr19-10250859-G-A.
Other names: c.3621C>T (NM_001379.2); c.3621C>T, p.Arg1207= (NM_001318730.2, NM_001379.4); c.3306C>T, p.Arg1102= (NM_001318731.2).
Identifiers: ClinVar variation 707638 (VCV000707638.40), dbSNP rs147755768, ClinGen allele CA9187694.

ClinVar aggregate classification (germline): Benign/Likely benign. Review status: criteria provided, multiple submitters, no conflicts (2 of 4 stars). 5 submissions from 5 submitters: Benign (1); Likely benign (4). Last evaluated 2025-10-08.

Conditions:
Hereditary sensory neuropathy-deafness-dementia syndrome. Also called: HSN IE; NEUROPATHY, HEREDITARY SENSORY, WITH HEARING LOSS AND DEMENTIA; Hereditary Sensory and Autonomic Neuropathy Type 1E (HSAN1E); Hereditary sensory neuropathy type IE. Identifiers: Orphanet 456318, MedGen C3279885, MONDO:0013584, OMIM 614116.
Inborn genetic diseases. Identifiers: MedGen C0950123, MeSH D030342.

Allele frequency attached by ClinVar (database versions not stated): gnomAD 0.00006 and 0.00009; TOPMed 0.00007; ExAC 0.00012; gnomAD exomes 0.00012 and 0.00018; 1000 Genomes Project 30x 0.00016; 1000 Genomes Project 0.00020; ESP Exome Variant Server 0.00023.
gnomAD v4.1: 272 of 1,613,982 alleles (0.017%); highest among the groups gnomAD compares: Non-Finnish European, 0.022%; no homozygotes.

Submissions (5):

Labcorp Genetics (formerly Invitae), Labcorp
Classification: Likely benign for Hereditary sensory neuropathy-deafness-dementia syndrome. Last evaluated: 2025-10-08. Review status: criteria provided, single submitter. Criteria: Invitae Variant Classification Sherloc (09022015). Collection method: clinical testing. Allele origin: germline.

Ambry Genetics
Classification: Likely benign for Inborn genetic diseases. Last evaluated: 2024-11-29. Review status: criteria provided, single submitter. Criteria: Ambry Variant Classification Scheme 2023. Collection method: clinical testing. Allele origin: germline.

Blueprint Genetics
Classification: Likely benign. Last evaluated: 2024-09-02. Review status: criteria provided, single submitter. Criteria: ACMG Guidelines, 2015. Collection method: clinical testing. Allele origin: germline.

CeGaT Center for Human Genetics Tuebingen
Classification: Likely benign. Last evaluated: 2023-04-01. Review status: criteria provided, single submitter. Criteria: CeGaT Center For Human Genetics Tuebingen Variant Classification Criteria Version 2. Collection method: clinical testing. Allele origin: germline. Affected: yes. Observed: 1 variant allele.
Comment: DNMT1: BP4, BP7

Illumina Laboratory Services, Illumina
Classification: Benign for Hereditary sensory neuropathy-deafness-dementia syndrome. Last evaluated: 2018-01-12. Review status: criteria provided, single submitter. Criteria: ICSL Variant Classification Criteria 13 December 2019. Collection method: clinical testing. Allele origin: germline.
Comment: This variant was observed in the ICSL laboratory as part of a predisposition screen in an ostensibly healthy population. It had not been previously curated by ICSL or reported in the Human Gene Mutation Database (HGMD: prior to June 1st, 2018), and was therefore a candidate for classification through an automated scoring system. Utilizing variant allele frequency, disease prevalence and penetrance estimates, and inheritance mode, an automated score was calculated to assess if this variant is too frequent to cause the disease. Based on the score and internal cut-off values, a variant classified as benign is not then subjected to further curation. The score for this variant resulted in a classification of benign for this disease.